The following is an entry in ClinVar:

ClinVar aggregate classification (germline): Conflicting classifications of pathogenicity. Review status: criteria provided, conflicting classifications (1 of 4 stars). 5 submissions from 5 submitters: Pathogenic (3); Uncertain significance (1). 1 of the submissions does not count toward it. Last evaluated 2026-04-13.

Conditions:
ASXL3-related disorder. Also called: ASXL3-related condition. Identifiers: MedGen CN381524.
Inborn genetic diseases. Identifiers: MedGen C0950123, MeSH D030342.
Bainbridge-Ropers syndrome. Also called: Severe feeding difficulties-failure to thrive-microcephaly due to ASXL3 deficiency syndrome. Identifiers: Orphanet 352577, MedGen C4750837, MONDO:0014205, OMIM 615485.

Allele frequency attached by ClinVar (database versions not stated): TOPMed below 0.00001; gnomAD exomes below 0.00001.

Submissions (5):

Ambry Genetics
Classification: Pathogenic for Inborn genetic diseases. Last evaluated: 2026-04-13. Review status: criteria provided, single submitter. Criteria: Ambry Variant Classification Scheme 2023. Collection method: clinical testing. Allele origin: germline.
Comment: The c.694C>T (p.R232*) alteration, located in exon 7 (coding exon 7) of the ASXL3 gene, consists of a C to T substitution at nucleotide position 694. This changes the amino acid from a arginine (R) to a stop codon at amino acid position 232. This variant is expected to result in loss of function by premature protein truncation or nonsense-mediated mRNA decay. Based on data from gnomAD, the T allele has an overall frequency of <0.001% (1/241284) total alleles studied. The highest observed frequency was 0.001% (1/109294) of European (non-Finnish) alleles. Based on the available evidence, this alteration is classified as pathogenic.

GeneDx
Classification: Uncertain significance. Last evaluated: 2025-08-15. Review status: criteria provided, single submitter. Criteria: GeneDx Variant Classification Process June 2021. Collection method: clinical testing. Allele origin: germline. Affected: yes.
Comment: Nonsense variant predicted to result in protein truncation or nonsense mediated decay in a gene for which loss of function is a known mechanism of disease; Has not been previously reported as pathogenic or benign in association with an ASXL3-related disorder to our knowledge; This variant is associated with the following publications: (PMID: 34436830, 36475376)

Medgenome Labs Ltd
Classification: Pathogenic for Bainbridge-Ropers syndrome. Last evaluated: 2025-01-30. Review status: criteria provided, single submitter. Criteria: ACMG Guidelines, 2015. Collection method: clinical testing. Allele origin: germline. Affected: yes.

Labcorp Genetics (formerly Invitae), Labcorp
Classification: Pathogenic. Last evaluated: 2021-05-07. Review status: criteria provided, single submitter. Criteria: Invitae Variant Classification Sherloc (09022015). Collection method: clinical testing. Allele origin: germline.
Comment: This variant is not present in population databases (ExAC no frequency). For these reasons, this variant has been classified as Pathogenic. This variant has not been reported in the literature in individuals with ASXL3-related conditions. This sequence change creates a premature translational stop signal (p.Arg232*) in the ASXL3 gene. It is expected to result in an absent or disrupted protein product. Loss-of-function variants in ASXL3 are known to be pathogenic (PMID: 26647312, 28100473).

PreventionGenetics, part of Exact Sciences
Classification: Likely pathogenic for ASXL3-related condition. Last evaluated: 2024-05-18. Review status: no assertion criteria provided. Collection method: clinical testing. Allele origin: germline. Not counted in ClinVar's aggregate classification.
Comment: The ASXL3 c.694C>T variant is predicted to result in premature protein termination (p.Arg232*). To our knowledge, this variant has not been reported in the literature. This variant is reported in 0.00091% of alleles in individuals of European (Non-Finnish) descent in gnomAD. Nonsense variants in ASXL3 are expected to be pathogenic. This variant is interpreted as likely pathogenic.

Literature cited by the submitters: PubMed 34436830 (cited by Medgenome Labs Ltd); PubMed 26647312 (cited by Labcorp Genetics (formerly Invitae), Labcorp); PubMed 28100473 (cited by Labcorp Genetics (formerly Invitae), Labcorp).

NM_030632.3(ASXL3):c.694C>T (p.Arg232Ter)

Gene: ASXL3 (ASXL transcriptional regulator 3; plus strand). Cytogenetic location: 18q12.1.
Variant type: single nucleotide variant.
Coding change: c.694C>T on transcript NM_030632.3 (MANE Select); coding-DNA position 694, C replaced by T.
Protein change: p.Arg232Ter; replaces arginine 232 with a stop codon.
Molecular consequence: nonsense.
Genome position (GRCh38, 1-based): chr18:33,671,845, C>T. VCF-style: chr18-33671845-C-T. GRCh37 (hg19) VCF-style: chr18-31251809-C-T.
Other names: c.694C>T (NM_030632.1, NM_030632.2); short protein forms R232*.
Identifiers: ClinVar variation 1453115 (VCV001453115.10), dbSNP rs1302254196, ClinGen allele CA402168465.
Genomic context (GRCh38, chr18:33,671,845, plus strand): 5'-AAAGAAATGAAACATGGGCAAAAATCTCCCACTGGAAAACAAACAAGTCAGCACTTAAAA[C>T]GATTAAAAAAGTCTGGTTTAGGTGAGTGTTTAATAGACTATGCCATTTCACATTTTAGAA-3'